The following is an entry in ClinVar:

ClinVar aggregate classification (germline): Uncertain significance. Review status: criteria provided, multiple submitters, no conflicts (2 of 4 stars). 2 submissions from 2 submitters: Uncertain significance (2). Last evaluated 2022-04-06.

Conditions:
Inborn genetic diseases. Identifiers: MedGen C0950123, MeSH D030342.
Charcot-Marie-Tooth disease type 4. Also called: Charcot-Marie-Tooth, Type 4; Charcot-Marie-Tooth disease, type IV. Identifiers: Orphanet 64749, MedGen C4082197, MONDO:0018995.

Allele frequency attached by ClinVar (database versions not stated): gnomAD 0.00001; ExAC 0.00003; gnomAD exomes 0.00003 and 0.00008; TOPMed 0.00003.
gnomAD v4.1: 110 of 1,614,070 alleles (0.0068%); highest among the groups gnomAD compares: East Asian, 0.12%; no homozygotes.

Submissions (2):

Labcorp Genetics (formerly Invitae), Labcorp
Classification: Uncertain significance for Charcot-Marie-Tooth disease type 4. Last evaluated: 2022-04-06. Review status: criteria provided, single submitter. Criteria: Invitae Variant Classification Sherloc (09022015). Collection method: clinical testing. Allele origin: germline.
Comment: This sequence change replaces valine, which is neutral and non-polar, with methionine, which is neutral and non-polar, at codon 1669 of the SBF2 protein (p.Val1669Met). This variant is present in population databases (rs757185849, gnomAD 0.01%). This variant has not been reported in the literature in individuals affected with SBF2-related conditions. ClinVar contains an entry for this variant (Variation ID: 956427). Algorithms developed to predict the effect of missense changes on protein structure and function output the following: SIFT: "Tolerated"; PolyPhen-2: "Benign"; Align-GVGD: "Class C0". The methionine amino acid residue is found in multiple mammalian species, which suggests that this missense change does not adversely affect protein function. In summary, the available evidence is currently insufficient to determine the role of this variant in disease. Therefore, it has been classified as a Variant of Uncertain Significance.

Ambry Genetics
Classification: Uncertain significance for Inborn genetic diseases. Last evaluated: 2019-09-21. Review status: criteria provided, single submitter. Criteria: Ambry Variant Classification Scheme 2023. Collection method: clinical testing. Allele origin: germline.
Comment: The p.V1669M variant (also known as c.5005G>A), located in coding exon 36 of the SBF2 gene, results from a G to A substitution at nucleotide position 5005. The valine at codon 1669 is replaced by methionine, an amino acid with highly similar properties. This amino acid position is poorly conserved in available vertebrate species, and methionine is the reference amino acid in other vertebrate species. In addition, this alteration is predicted to be tolerated by in silico analysis. Since supporting evidence is limited at this time, the clinical significance of this alteration remains unclear.

NM_030962.4(SBF2):c.5005G>A (p.Val1669Met)

Genes: SBF2 (SET binding factor 2; minus strand), SBF2-AS1 (SBF2 antisense RNA 1; plus strand), LOC105369149 (uncharacterized LOC105369149; plus strand). Cytogenetic location: 11p15.4.
Variant type: single nucleotide variant.
Coding change: c.5005G>A on transcript NM_030962.4 (MANE Select); coding-DNA position 5005, G replaced by A.
Protein change: p.Val1669Met; replaces valine 1669 with methionine.
Molecular consequence: missense variant.
Genome position (GRCh38, 1-based): chr11:9,787,666, C>T on the plus strand (G>A on the coding strand, the complement: SBF2 is on the minus strand). VCF-style: chr11-9787666-C-T. GRCh37 (hg19) VCF-style: chr11-9809213-C-T.
Other names: c.5101G>A, p.Val1701Met (NM_001386339.1); c.4876G>A, p.Val1626Met (NM_001386342.1); short protein forms V1669M, V1626M, V1701M.
Identifiers: ClinVar variation 956427 (VCV000956427.9), dbSNP rs757185849, ClinGen allele CA5880843.